The following is an entry in ClinVar:

NM_001005361.3(DNM2):c.1480A>G (p.Ile494Val)

Gene: DNM2 (dynamin 2; plus strand). Cytogenetic location: 19p13.2.
Variant type: single nucleotide variant.
Coding change: c.1480A>G on transcript NM_001005361.3 (MANE Select); coding-DNA position 1480, A replaced by G.
Protein change: p.Ile494Val; replaces isoleucine 494 with valine.
Molecular consequence: missense variant.
Genome position (GRCh38, 1-based): chr19:10,802,345, A>G. VCF-style: chr19-10802345-A-G. GRCh37 (hg19) VCF-style: chr19-10913021-A-G.
Other names: c.1480A>G, p.Ile494Val (NM_001005360.3, NM_001005362.3, NM_001190716.2 and 1 more transcripts); short protein forms I494V.
Identifiers: ClinVar variation 1407454 (VCV001407454.8), dbSNP rs2146061452, ClinGen allele CA404049831.

ClinVar aggregate classification (germline): Uncertain significance (1 of 4 stars; one submission).

Conditions:
Charcot-Marie-Tooth disease dominant intermediate B (CMTDIB). Also called: Charcot-Marie-Tooth disease dominant intermediate 1; CMT DI1; Charcot-Marie-Tooth disease dominant intermediate I; CHARCOT-MARIE-TOOTH NEUROPATHY, DOMINANT INTERMEDIATE B. Identifiers: Orphanet 100044, Orphanet 228179, MedGen C1847902, MONDO:0011674, OMIM 606482.

Allele frequency attached by ClinVar (database versions not stated): gnomAD exomes 0.00001.
gnomAD v4.1: 8 of 1,614,168 alleles (0.0005%); highest among the groups gnomAD compares: Non-Finnish European, 0.00068%; no homozygotes.

Submission:

Labcorp Genetics (formerly Invitae), Labcorp
Classification: Uncertain significance for Charcot-Marie-Tooth disease dominant intermediate B. Last evaluated: 2024-07-30. Review status: criteria provided, single submitter. Criteria: Invitae Variant Classification Sherloc (09022015). Collection method: clinical testing. Allele origin: germline.
Comment: This sequence change replaces isoleucine, which is neutral and non-polar, with valine, which is neutral and non-polar, at codon 494 of the DNM2 protein (p.Ile494Val). This variant is not present in population databases (gnomAD no frequency). This variant has not been reported in the literature in individuals affected with DNM2-related conditions. ClinVar contains an entry for this variant (Variation ID: 1407454). Advanced modeling of protein sequence and biophysical properties (such as structural, functional, and spatial information, amino acid conservation, physicochemical variation, residue mobility, and thermodynamic stability) has been performed at Invitae for this missense variant, however the output from this modeling did not meet the statistical confidence thresholds required to predict the impact of this variant on DNM2 protein function. In summary, the available evidence is currently insufficient to determine the role of this variant in disease. Therefore, it has been classified as a Variant of Uncertain Significance.